The following is an entry in ClinVar:

ClinVar aggregate classification (germline): Uncertain significance. Review status: criteria provided, multiple submitters, no conflicts (2 of 4 stars). 2 submissions from 2 submitters: Uncertain significance (2). Last evaluated 2025-06-18.

Conditions:
Cardiovascular phenotype. Identifiers: MedGen CN230736.
Hereditary cancer-predisposing syndrome. Also called: Neoplastic Syndromes, Hereditary; Hereditary Cancer Syndrome; Tumor predisposition; Hereditary neoplastic syndrome. Identifiers: Orphanet 140162, MedGen C0027672, MeSH D009386, MONDO:0015356.

Allele frequency attached by ClinVar (database versions not stated): TOPMed below 0.00001; ExAC 0.00001; gnomAD 0.00001.
gnomAD v4.1: 1 of 1,613,636 alleles (0.000062%); highest among the groups gnomAD compares: African/African-American, 0.0013%; no homozygotes.

Submissions (2):

Ambry Genetics
Classification: Uncertain significance for Cardiovascular phenotype; Hereditary cancer-predisposing syndrome. Last evaluated: 2025-06-18. Review status: criteria provided, single submitter. Criteria: Ambry Variant Classification Scheme 2023. Collection method: clinical testing. Allele origin: germline.
Comment: The p.F696C variant (also known as c.2087T>G), located in coding exon 18 of the LZTR1 gene, results from a T to G substitution at nucleotide position 2087. The phenylalanine at codon 696 is replaced by cysteine, an amino acid with highly dissimilar properties. This amino acid position is conserved. In addition, this alteration is predicted to be deleterious by in silico analysis. Based on the available evidence, the clinical significance of this variant remains unclear.

Labcorp Genetics (formerly Invitae), Labcorp
Classification: Uncertain significance. Last evaluated: 2025-05-20. Review status: criteria provided, single submitter. Criteria: Invitae Variant Classification Sherloc (09022015). Collection method: clinical testing. Allele origin: germline.
Comment: This sequence change replaces phenylalanine, which is neutral and non-polar, with cysteine, which is neutral and slightly polar, at codon 696 of the LZTR1 protein (p.Phe696Cys). This variant is present in population databases (rs765187155, gnomAD 0.007%). This variant has not been reported in the literature in individuals affected with LZTR1-related conditions. ClinVar contains an entry for this variant (Variation ID: 2447750). Invitae Evidence Modeling of protein sequence and biophysical properties (such as structural, functional, and spatial information, amino acid conservation, physicochemical variation, residue mobility, and thermodynamic stability) indicates that this missense variant is not expected to disrupt LZTR1 protein function with a negative predictive value of 80%. In summary, the available evidence is currently insufficient to determine the role of this variant in disease. Therefore, it has been classified as a Variant of Uncertain Significance.

NM_006767.4(LZTR1):c.2087T>G (p.Phe696Cys)

Gene: LZTR1 (leucine zipper like post translational regulator 1; plus strand). Cytogenetic location: 22q11.21.
Variant type: single nucleotide variant.
Coding change: c.2087T>G on transcript NM_006767.4 (MANE Select); coding-DNA position 2087, T replaced by G.
Protein change: p.Phe696Cys; replaces phenylalanine 696 with cysteine.
Molecular consequence: missense variant.
Genome position (GRCh38, 1-based): chr22:20,995,980, T>G. VCF-style: chr22-20995980-T-G. GRCh37 (hg19) VCF-style: chr22-21350269-T-G.
Other names: short protein forms F696C.
Identifiers: ClinVar variation 2447750 (VCV002447750.5), dbSNP rs765187155, ClinGen allele CA10119240.